The following is an entry in ClinVar:

NM_015092.5(SMG1):c.34A>G (p.Ser12Gly)

Genes: SMG1 (SMG1 nonsense mediated mRNA decay associated PI3K related kinase; minus strand), SMG1-DT (SMG1 divergent transcript; plus strand), LOC130058585 (ATAC-STARR-seq lymphoblastoid silent region 7237; plus strand). Cytogenetic location: 16p12.3.
Variant type: single nucleotide variant.
Coding change: c.34A>G on transcript NM_015092.5 (MANE Select); coding-DNA position 34, A replaced by G.
Protein change: p.Ser12Gly; replaces serine 12 with glycine.
Molecular consequence: missense variant.
Genome position (GRCh38, 1-based): chr16:18,926,008, T>C on the plus strand (A>G on the coding strand, the complement: SMG1 is on the minus strand). VCF-style: chr16-18926008-T-C. GRCh37 (hg19) VCF-style: chr16-18937330-T-C.
Other names: short protein forms S12G.
Identifiers: ClinVar variation 769416 (VCV000769416.11), dbSNP rs190057031, ClinGen allele CA7932049.

ClinVar aggregate classification (germline): Benign/Likely benign. Review status: criteria provided, multiple submitters, no conflicts (2 of 4 stars). 2 submissions from 2 submitters: Benign (1); Likely benign (1). Last evaluated 2025-08-01.

Allele frequency attached by ClinVar (database versions not stated): gnomAD 0.00297 and 0.00338; gnomAD exomes 0.00331; TOPMed 0.00332; 1000 Genomes Project 0.00379; ExAC 0.00531.
gnomAD v4.1: 6,609 of 1,578,282 alleles (0.42%); highest among the groups gnomAD compares: Non-Finnish European, 0.5%; 16 homozygotes.

Submissions (2):

CeGaT Center for Human Genetics Tuebingen
Classification: Likely benign. Last evaluated: 2025-08-01. Review status: criteria provided, single submitter. Criteria: CeGaT Center For Human Genetics Tuebingen Variant Classification Criteria Version 2. Collection method: clinical testing. Allele origin: germline. Affected: yes. Observed: 1 variant allele.
Comment: SMG1: BS2

Labcorp Genetics (formerly Invitae), Labcorp
Classification: Benign. Last evaluated: 2018-08-01. Review status: criteria provided, single submitter. Criteria: Invitae Variant Classification Sherloc (09022015). Collection method: clinical testing. Allele origin: germline.